The following is an entry in ClinVar:

NM_001999.4(FBN2):c.6253C>A (p.Pro2085Thr)

Gene: FBN2 (fibrillin 2; minus strand). Cytogenetic location: 5q23.3.
Variant type: single nucleotide variant.
Coding change: c.6253C>A on transcript NM_001999.4 (MANE Select); coding-DNA position 6253, C replaced by A.
Protein change: p.Pro2085Thr; replaces proline 2085 with threonine.
Molecular consequence: missense variant.
Genome position (GRCh38, 1-based): chr5:128,291,568, G>T on the plus strand (C>A on the coding strand, the complement: FBN2 is on the minus strand). VCF-style: chr5-128291568-G-T. GRCh37 (hg19) VCF-style: chr5-127627260-G-T.
Other names: c.6253C>A (NM_001999.3); short protein forms P2085T.
Identifiers: ClinVar variation 1677543 (VCV001677543.3), dbSNP rs34845843, ClinGen allele CA360764374.

ClinVar aggregate classification (germline): Uncertain significance. Review status: criteria provided, multiple submitters, no conflicts (2 of 4 stars). 3 submissions from 3 submitters: Uncertain significance (3). Last evaluated 2024-12-26.

Conditions:
Familial thoracic aortic aneurysm and aortic dissection (TAAD). Also called: Thoracic aortic aneurysms and dissections. Identifiers: Orphanet 91387, MedGen C4707243, MONDO:0019625.

gnomAD v4.1: 5 of 1,613,964 alleles (0.00031%); highest among the groups gnomAD compares: Admixed American, 0.0017%; no homozygotes.

Submissions (3):

Ambry Genetics
Classification: Uncertain significance for Familial thoracic aortic aneurysm and aortic dissection. Last evaluated: 2024-12-26. Review status: criteria provided, single submitter. Criteria: Ambry Variant Classification Scheme 2023. Collection method: clinical testing. Allele origin: germline.
Comment: The p.P2085T variant (also known as c.6253C>A), located in coding exon 49 of the FBN2 gene, results from a C to A substitution at nucleotide position 6253. The proline at codon 2085 is replaced by threonine, an amino acid with highly similar properties. This variant has been detected in an individual with severe scoliosis (Buchan JG et al. Hum Mol Genet, 2014 Oct;23:5271-82). This amino acid position is not well conserved in available vertebrate species. In addition, this alteration is predicted to be tolerated by in silico analysis. Based on the available evidence, the clinical significance of this variant remains unclear.

ARUP Laboratories, Molecular Genetics and Genomics, ARUP Laboratories
Classification: Uncertain significance. Last evaluated: 2024-04-25. Review status: criteria provided, single submitter. Criteria: ARUP Molecular Germline Variant Investigation Process 2024. Collection method: clinical testing. Allele origin: germline.
Comment: The FBN2 c.6253C>A; p.Pro2085Thr variant (rs34845843, ClinVar variation ID: 1677543) is reported in the literature in one individual affected with adolescent idiopathic scoliosis (Buchan 2014). This variant is only observed on two alleles in the Genome Aggregation Database (v2.1.1), indicating it is not a common polymorphism. Computational analyses predict that this variant is deleterious (REVEL: 0.745). Due to limited information, the clinical significance of this variant is uncertain at this time. References: Buchan JG et al. Rare variants in FBN1 and FBN2 are associated with severe adolescent idiopathic scoliosis. Hum Mol Genet. 2014 Oct 1;23(19):5271-82. PMID: 24833718.

AiLife Diagnostics
Classification: Uncertain significance. Last evaluated: 2021-10-04. Review status: criteria provided, single submitter. Criteria: ACMG Guidelines, 2015. Collection method: clinical testing. Allele origin: germline. Affected: yes. Observed: 1 variant allele.

Literature cited by the submitters: PubMed 24833718 (cited by Ambry Genetics and AiLife Diagnostics).